The following is an entry in ClinVar:

ClinVar aggregate classification (germline): Conflicting classifications of pathogenicity. Review status: criteria provided, conflicting classifications (1 of 4 stars). 2 submissions from 2 submitters: Likely pathogenic (1); Uncertain significance (1). Last evaluated 2024-03-07.

Allele frequency attached by ClinVar (database versions not stated): gnomAD exomes 0.00001; ExAC 0.00001.
gnomAD v4.1: 10 of 1,208,962 alleles (0.00083%); highest among the groups gnomAD compares: African/African-American, 0.0018%; no homozygotes.

Submissions (2):

Women's Health and Genetics/Laboratory Corporation of America, LabCorp
Classification: Uncertain significance. Last evaluated: 2024-03-07. Review status: criteria provided, single submitter. Criteria: LabCorp Variant Classification Summary - May 2015. Collection method: clinical testing. Allele origin: germline.
Comment: Variant summary: EDA c.1123A>G (p.Lys375Glu) results in a conservative amino acid change located in the Tumour necrosis factor domain (IPR006052) of the encoded protein sequence. Three of five in-silico tools predict a benign effect of the variant on protein function. The variant allele was found at a frequency of 5.5e-06 in 182228 control chromosomes. The available data on variant occurrences in the general population are insufficient to allow any conclusion about variant significance. To our knowledge, no occurrence of c.1123A>G in individuals affected with Hypohidrotic Ectodermal Dysplasia/other EDA-related phenotypes and no experimental evidence demonstrating its impact on protein function have been reported. ClinVar contains an entry for this variant (Variation ID: 372592). Based on the evidence outlined above, the variant was classified as uncertain significance.

GeneDx
Classification: Likely pathogenic. Last evaluated: 2016-06-28. Review status: criteria provided, single submitter. Criteria: GeneDx Variant Classification (06012015). Collection method: clinical testing. Allele origin: germline. Affected: yes.
Comment: The K375E variant in the EDA gene has not been published as a pathogenic variant, nor has it been reported as a benign variant to our knowledge. The K375E variant was not observed in approximately 6,500 individuals of European and African American ancestry in the NHLBI Exome Sequencing Project, indicating it is not a common benign variant in these populations. The K375E variant is a non-conservative amino acid substitution, which is likely to impact secondary protein structure as these residues differ in polarity, charge, size and/or other properties. However, this substitution occurs at a position that is not conserved. Numerous missense variants in nearby residues (N372D, M373I, S374R, T378P, T378M, and others) have been reported in the Human Gene Mutation Database in association with ectodermal dysplasia (Stenson et al., 2014), supporting the functional importance of this region of the protein. However, in silico analysis is inconsistent in its predictions as to whether or not the variant is damaging to the protein structure/function. The K375E variant is a strong candidate for a pathogenic variant, however the possibility it may be a rare benign variant cannot be excluded.

NM_001399.5(EDA):c.1123A>G (p.Lys375Glu)

Gene: EDA (ectodysplasin A; plus strand). Cytogenetic location: Xq13.1.
Variant type: single nucleotide variant.
Coding change: c.1123A>G on transcript NM_001399.5 (MANE Select); coding-DNA position 1123, A replaced by G.
Protein change: p.Lys375Glu; replaces lysine 375 with glutamic acid.
Molecular consequence: missense variant.
Genome position (GRCh38, 1-based): chrX:70,035,556, A>G. VCF-style: chrX-70035556-A-G. GRCh37 (hg19) VCF-style: chrX-69255406-A-G.
Other names: c.1117A>G, p.Lys373Glu (NM_001005609.2); c.1108A>G, p.Lys370Glu (NM_001005612.3); short protein forms K375E, K373E, K370E.
Identifiers: ClinVar variation 372592 (VCV000372592.4), dbSNP rs781394318, ClinGen allele CA10439052.